The following is an entry in ClinVar:

NM_001015880.2(PAPSS2):c.1568C>T (p.Pro523Leu)

Gene: PAPSS2 (3'-phosphoadenosine 5'-phosphosulfate synthase 2; plus strand). Cytogenetic location: 10q23.31.
Variant type: single nucleotide variant.
Coding change: c.1568C>T on transcript NM_001015880.2 (MANE Select); coding-DNA position 1568, C replaced by T.
Protein change: p.Pro523Leu; replaces proline 523 with leucine.
Molecular consequence: missense variant.
Genome position (GRCh38, 1-based): chr10:87,745,078, C>T. VCF-style: chr10-87745078-C-T. GRCh37 (hg19) VCF-style: chr10-89504835-C-T.
Other names: c.1553C>T, p.Pro518Leu (NM_004670.4); short protein forms P523L, P518L.
Identifiers: ClinVar variation 1413691 (VCV001413691.7), dbSNP rs368088157, ClinGen allele CA5589789.

ClinVar aggregate classification (germline): Uncertain significance (1 of 4 stars; one submission).

Conditions:
Spondyloepimetaphyseal dysplasia, PAPSS2 type. Also called: BRACHYOLMIA TYPE 4 WITH MILD EPIPHYSEAL AND METAPHYSEAL CHANGES; SPONDYLODYSPLASIA AND PREMATURE PUBARCHE; SEMD, PAKISTANI TYPE. Identifiers: Orphanet 93282, MedGen C2748516, MONDO:0019666, OMIM 612847.

Allele frequency attached by ClinVar (database versions not stated): gnomAD exomes 0.00019 and 0.00006; ExAC 0.00004; TOPMed 0.00007; gnomAD 0.00008 and 0.00009; ESP Exome Variant Server 0.00015.
gnomAD v4.1: 278 of 1,613,970 alleles (0.017%); highest among the groups gnomAD compares: Non-Finnish European, 0.023%; no homozygotes.

Submission:

Labcorp Genetics (formerly Invitae), Labcorp
Classification: Uncertain significance for Spondyloepimetaphyseal dysplasia, PAPSS2 type. Last evaluated: 2021-06-28. Review status: criteria provided, single submitter. Criteria: Invitae Variant Classification Sherloc (09022015). Collection method: clinical testing. Allele origin: germline.
Comment: In summary, the available evidence is currently insufficient to determine the role of this variant in disease. Therefore, it has been classified as a Variant of Uncertain Significance. Algorithms developed to predict the effect of missense changes on protein structure and function are either unavailable or do not agree on the potential impact of this missense change (SIFT: "Tolerated"; PolyPhen-2: "Probably Damaging"; Align-GVGD: "Class C0"). This variant has not been reported in the literature in individuals affected with PAPSS2-related conditions. This variant is present in population databases (rs368088157, ExAC 0.007%). This sequence change replaces proline with leucine at codon 523 of the PAPSS2 protein (p.Pro523Leu). The proline residue is moderately conserved and there is a moderate physicochemical difference between proline and leucine.